The following is an entry in ClinVar:

NM_000660.7(TGFB1):c.405C>A (p.Phe135Leu)

Gene: TGFB1 (transforming growth factor beta 1; minus strand). Cytogenetic location: 19q13.2.
Variant type: single nucleotide variant.
Coding change: c.405C>A on transcript NM_000660.7 (MANE Select); coding-DNA position 405, C replaced by A.
Protein change: p.Phe135Leu; replaces phenylalanine 135 with leucine.
Molecular consequence: missense variant.
Genome position (GRCh38, 1-based): chr19:41,348,406, G>T on the plus strand (C>A on the coding strand, the complement: TGFB1 is on the minus strand). VCF-style: chr19-41348406-G-T. GRCh37 (hg19) VCF-style: chr19-41854311-G-T.
Other names: short protein forms F135L.
Identifiers: ClinVar variation 5019517 (VCV005019517.2).
Genomic context (GRCh38, chr19:41,348,406, plus strand): 5'-CAGCTCTGCCCGGGAGAGCAACACGGGTTCAGGTACCGCTTCTCGGAGCTCTGATGTGTT[G>T]AAGAACATATATATGCTGTGTGTACTCTGCTTGAACTTGTCATAGATTTCTAGCAGGGAG-3'
Protein context (NP_000651.3, residues 125-145): KQSTHSIYMF[Phe135Leu]NTSELREAVP

ClinVar aggregate classification (germline): Uncertain significance (1 of 4 stars; one submission).

Conditions:
Camurati-Engelmann disease type 1. Also called: DIAPHYSEAL DYSPLASIA 1, PROGRESSIVE. Identifiers: MedGen CN379925, MONDO:0700385, OMIM 131300.
Inflammatory bowel disease, immunodeficiency, and encephalopathy. Identifiers: Orphanet 565788, MedGen C4748708, MONDO:0032601, OMIM 618213.
Cystic fibrosis (CF). Also called: MUCOVISCIDOSIS. Identifiers: Orphanet 586, MedGen C0010674, MONDO:0009061, OMIM 219700. Disease mechanism: loss of function.

Submission:

Juno Genomics, Hangzhou Juno Genomics, Inc
Classification: Uncertain significance for Camurati-Engelmann disease type 1; Cystic fibrosis; Inflammatory bowel disease, immunodeficiency, and encephalopathy. Review status: criteria provided, single submitter. Criteria: ACMG Guidelines, 2015. Collection method: clinical testing. Allele origin: germline.
Comment: Absent from controls (or at extremely low frequency if recessive) in Genome Aggregation Database.;Multiple lines of computational evidence support a deleterious effect on the gene or gene product.